The following is an entry in ClinVar:

ClinVar aggregate classification (germline): Pathogenic/Likely pathogenic. Review status: criteria provided, multiple submitters, no conflicts (2 of 4 stars). 3 submissions from 3 submitters: Pathogenic (1); Likely pathogenic (1). 1 of the submissions does not count toward it. Last evaluated 2023-06-20.

Conditions:
Familial thoracic aortic aneurysm and aortic dissection (TAAD). Also called: Thoracic aortic aneurysms and dissections. Identifiers: Orphanet 91387, MedGen C4707243, MONDO:0019625.
Marfan syndrome (MFS). Also called: Marfan syndrome type 1; Marfan syndrome, classic; Marfan's syndrome; FBN1-Related Marfan Syndrome; MARFAN SYNDROME, TYPE I. Identifiers: Orphanet 284963, Orphanet 558, MedGen C0024796, MONDO:0007947, OMIM 154700.

Submissions (3):

Labcorp Genetics (formerly Invitae), Labcorp
Classification: Pathogenic for Marfan syndrome; Familial thoracic aortic aneurysm and aortic dissection. Last evaluated: 2023-06-20. Review status: criteria provided, single submitter. Criteria: Invitae Variant Classification Sherloc (09022015). Collection method: clinical testing. Allele origin: germline.
Comment: Advanced modeling of protein sequence and biophysical properties (such as structural, functional, and spatial information, amino acid conservation, physicochemical variation, residue mobility, and thermodynamic stability) performed at Invitae indicates that this missense variant is expected to disrupt FBN1 protein function. ClinVar contains an entry for this variant (Variation ID: 549022). This variant has not been reported in the literature in individuals affected with FBN1-related conditions. This variant is not present in population databases (gnomAD no frequency). This sequence change replaces cysteine, which is neutral and slightly polar, with arginine, which is basic and polar, at codon 513 of the FBN1 protein (p.Cys513Arg). For these reasons, this variant has been classified as Pathogenic. This variant disrupts the p. Cys513 amino acid residue in FBN1. Other variant(s) that disrupt this residue have been observed in individuals with FBN1-related conditions (PMID: 27906200; Invitae), which suggests that this may be a clinically significant amino acid residue. This variant affects a cysteine residue in the EGF-like, TGFBP or hybrid motif domains of FBN1. Cysteine residues are believed to be involved in intramolecular disulfide bridges and have been shown to be important for FBN1 protein structure (PMID: 16905551, 19349279). In addition, missense substitutions affecting cysteine residues within these domains are significantly overrepresented among patients with Marfan syndrome (PMID: 16571647, 17701892).

CHEO Genetics Diagnostic Laboratory, Children's Hospital of Eastern Ontario
Classification: Likely pathogenic for Familial thoracic aortic aneurysm and aortic dissection. Last evaluated: 2019-12-10. Review status: criteria provided, single submitter. Criteria: ACMG Guidelines, 2015. Collection method: clinical testing. Allele origin: germline.

Center for Medical Genetics Ghent, University of Ghent
Classification: Likely pathogenic for Marfan syndrome. Last evaluated: 2017-11-07. Review status: no assertion criteria provided. Collection method: clinical testing. Allele origin: germline. Affected: yes. Not counted in ClinVar's aggregate classification.

Literature cited by the submitters: PubMed 27906200 (cited by Labcorp Genetics (formerly Invitae), Labcorp); PubMed 16905551 (cited by Labcorp Genetics (formerly Invitae), Labcorp); PubMed 19349279 (cited by Labcorp Genetics (formerly Invitae), Labcorp); PubMed 16571647 (cited by Labcorp Genetics (formerly Invitae), Labcorp); PubMed 17701892 (cited by Labcorp Genetics (formerly Invitae), Labcorp).

NM_000138.5(FBN1):c.1537T>C (p.Cys513Arg)

Gene: FBN1 (fibrillin 1; minus strand). Cytogenetic location: 15q21.1.
Variant type: single nucleotide variant.
Coding change: c.1537T>C on transcript NM_000138.5 (MANE Select); coding-DNA position 1537, T replaced by C.
Protein change: p.Cys513Arg; replaces cysteine 513 with arginine.
Molecular consequence: missense variant.
Genome position (GRCh38, 1-based): chr15:48,513,600, A>G on the plus strand (T>C on the coding strand, the complement: FBN1 is on the minus strand). VCF-style: chr15-48513600-A-G. GRCh37 (hg19) VCF-style: chr15-48805797-A-G.
Other names: short protein forms C513R.
Identifiers: ClinVar variation 549022 (VCV000549022.8), dbSNP rs1555400279, ClinGen allele CA392342384.